The following is an entry in ClinVar:

NM_020117.11(LARS1):c.1065+12A>G

Gene: LARS1 (leucyl-tRNA synthetase 1; minus strand). Cytogenetic location: 5q32.
Variant type: single nucleotide variant.
Coding change: c.1065+12A>G on transcript NM_020117.11 (MANE Select); 12 bases into the intron after coding-DNA position 1065, A replaced by G.
Molecular consequence: intron variant.
Genome position (GRCh38, 1-based): chr5:146,157,391, T>C on the plus strand (A>G on the coding strand, the complement: LARS1 is on the minus strand). VCF-style: chr5-146157391-T-C. GRCh37 (hg19) VCF-style: chr5-145536954-T-C.
Other names: c.903+12A>G (NM_001317965.2); c.984+12A>G (NM_016460.4); c.927+12A>G (NM_001317964.2).
Identifiers: ClinVar variation 387259 (VCV000387259.1), dbSNP rs1057522745, ClinGen allele CA16605286.
Genomic context (GRCh38, chr5:146,157,391, plus strand): 5'-TTCTCAATATTCATTGTTGAAATTTTCCTTGAAATTTACGCATTAAAATAAAAAATCTGC[T>C]ATCCAACTTACCTCCCCCATTAATTCCTTAACAACAGGCACCACGCCATTGTCTTTGGTA-3'

ClinVar aggregate classification (germline): Likely benign (1 of 4 stars; one submission).

Allele frequency attached by ClinVar (database versions not stated): gnomAD exomes below 0.00001.
gnomAD v4.1: 1 of 1,606,090 alleles (0.000062%); highest among the groups gnomAD compares: Non-Finnish European, 0.000085%; no homozygotes.

Submission:

GeneDx
Classification: Likely benign. Last evaluated: 2016-07-08. Review status: criteria provided, single submitter. Criteria: GeneDx Variant Classification (06012015). Collection method: clinical testing. Allele origin: germline. Affected: yes.
Comment: This variant is considered likely benign or benign based on one or more of the following criteria: it is a conservative change, it occurs at a poorly conserved position in the protein, it is predicted to be benign by multiple in silico algorithms, and/or has population frequency not consistent with disease.